The following is an entry in ClinVar:

NM_000334.4(SCN4A):c.3957_3959del (p.Tyr1320del)

Genes: GH-LCR (growth hormone locus control region; plus strand), SCN4A (sodium voltage-gated channel alpha subunit 4; minus strand). Cytogenetic location: 17q23.3.
Variant type: Deletion.
Coding change: c.3957_3959del on transcript NM_000334.4 (MANE Select); coding-DNA positions 3957 to 3959, 3 bases deleted (CTA; older notation c.3957_3959delCTA).
Protein change: p.Tyr1320del; deletes tyrosine 1320.
Molecular consequence: inframe deletion.
Genome position (GRCh38, 1-based): chr17:63,943,804-63,943,806, TAG deleted on the plus strand (CTA on the coding strand, the reverse complement: SCN4A is on the minus strand); deleting any 3 consecutive bases within chr17:63,943,804-63,943,808 gives the same sequence; the c. name uses the placement nearest the transcript's 3' end. VCF-style (leftmost placement, unchanged base first): chr17-63943803-ATAG-A. GRCh37 (hg19) VCF-style: chr17-62021163-ATAG-A.
Other names: short protein forms Y1320del.
Identifiers: ClinVar variation 2862568 (VCV002862568.4), dbSNP rs753334243, ClinGen allele CA8709100.

ClinVar aggregate classification (germline): Uncertain significance. Review status: criteria provided, multiple submitters, no conflicts (2 of 4 stars). 2 submissions from 2 submitters: Uncertain significance (2). Last evaluated 2025-01-23.

Conditions:
Hyperkalemic periodic paralysis. Also called: Familial hyperkalemic periodic paralysis; Gamstorp disease. Identifiers: Orphanet 682, MedGen C0238357, MONDO:0008224, OMIM 170500, HP:0007215.

Submissions (2):

GeneDx
Classification: Uncertain significance. Last evaluated: 2025-01-23. Review status: criteria provided, single submitter. Criteria: GeneDx Variant Classification Process June 2021. Collection method: clinical testing. Allele origin: germline. Affected: yes.
Comment: Not observed at significant frequency in large population cohorts (gnomAD); In-frame deletion of 1 amino acid in a non-repeat region; In silico analysis supports a deleterious effect on protein structure/function; Has not been previously published as pathogenic or benign to our knowledge

Labcorp Genetics (formerly Invitae), Labcorp
Classification: Uncertain significance for Hyperkalemic periodic paralysis. Last evaluated: 2023-09-08. Review status: criteria provided, single submitter. Criteria: Invitae Variant Classification Sherloc (09022015). Collection method: clinical testing. Allele origin: germline.
Comment: In summary, the available evidence is currently insufficient to determine the role of this variant in disease. Therefore, it has been classified as a Variant of Uncertain Significance. Experimental studies and prediction algorithms are not available or were not evaluated, and the functional significance of this variant is currently unknown. This variant has not been reported in the literature in individuals affected with SCN4A-related conditions. This variant is present in population databases (rs753334243, gnomAD 0.008%). This variant, c.3957_3959del, results in the deletion of 1 amino acid(s) of the SCN4A protein (p.Tyr1320del), but otherwise preserves the integrity of the reading frame.